The following is an entry in ClinVar:

ClinVar aggregate classification (germline): Uncertain significance (1 of 4 stars; one submission).

Conditions:
Sotos syndrome (SOTOS). Also called: CEREBRAL GIGANTISM; Distinctive facial appearance, overgrowth in childhood, and learning disabilities or delayed development; SOTOS SYNDROME 1; Sotos' syndrome; CHROMOSOME 5q35 DELETION SYNDROME. Identifiers: Orphanet 821, MedGen C0175695, MONDO:0019349, OMIM 117550.

gnomAD v4.1: 2 of 1,614,196 alleles (0.00012%); highest among the groups gnomAD compares: East Asian, 0.0022%; no homozygotes.

Submission:

Juno Genomics, Hangzhou Juno Genomics, Inc
Classification: Uncertain significance for Sotos syndrome. Review status: criteria provided, single submitter. Criteria: ACMG Guidelines, 2015. Collection method: clinical testing. Allele origin: germline.
Comment: Absent from controls (or at extremely low frequency if recessive) in Genome Aggregation Database.;Missense variant in a gene that has a low rate of benign missense variation.

NM_022455.5(NSD1):c.2781G>C (p.Leu927Phe)

Gene: NSD1 (nuclear receptor binding SET domain protein 1; plus strand). Cytogenetic location: 5q35.3.
Variant type: single nucleotide variant.
Coding change: c.2781G>C on transcript NM_022455.5 (MANE Select); coding-DNA position 2781, G replaced by C.
Protein change: p.Leu927Phe; replaces leucine 927 with phenylalanine.
Molecular consequence: missense variant.
Genome position (GRCh38, 1-based): chr5:177,211,180, G>C. VCF-style: chr5-177211180-G-C. GRCh37 (hg19) VCF-style: chr5-176638181-G-C.
Other names: c.2781G>C, p.Leu927Phe (NM_001409303.1, NM_001409301.1, NM_001409302.1); c.2361G>C, p.Leu787Phe (NM_001409304.1); c.2028G>C, p.Leu676Phe (NM_001409305.1); c.1908G>C, p.Leu636Phe (NM_001409306.1, NM_001409307.1, NM_001409308.1 and 3 more transcripts); short protein forms L676F, L636F, L927F, L787F.
Identifiers: ClinVar variation 5006870 (VCV005006870.2).